The following is an entry in ClinVar:

ClinVar aggregate classification (germline): Uncertain significance. Review status: criteria provided, multiple submitters, no conflicts (2 of 4 stars). 3 submissions from 3 submitters: Uncertain significance (3). Last evaluated 2023-09-17.

Conditions:
Arrhythmogenic right ventricular dysplasia 10. Also called: ARRHYTHMOGENIC RIGHT VENTRICULAR DYSPLASIA, FAMILIAL, 10; Arrhythmogenic Right Ventricular Dysplasia/Cardiomyopathy10; Arrhythmogenic right ventricular dysplasia/cardiomyopathy, type 10. Identifiers: MedGen C1857777, MONDO:0012434, OMIM 610193.
Cardiomyopathy (CMYO). Also called: Cardiomyopathies. Identifiers: Orphanet 167848, MedGen C0878544, MONDO:0004994, HP:0001638. Inheritance: Various modes of inheritance.
Arrhythmogenic right ventricular cardiomyopathy (ARVD). Also called: Arrhythmogenic right ventricular dysplasia; Cardiomyopathy, ARVC; Arrhythmogenic cardiomyopathy; Arrhythmogenic Right Ventricular Cardiomyopathy (ARVC). Identifiers: Orphanet 247, MedGen C0349788, MeSH D019571, MONDO:0016587. Disease mechanism: loss of function. Inheritance: Various modes of inheritance.

Allele frequency attached by ClinVar (database versions not stated): TOPMed below 0.00001; gnomAD 0.00001; gnomAD exomes 0.00002.

Submissions (3):

All of Us Research Program, National Institutes of Health
Classification: Uncertain significance for Arrhythmogenic right ventricular cardiomyopathy. Last evaluated: 2023-09-17. Review status: criteria provided, single submitter. Criteria: ACMG Guidelines, 2015. Collection method: clinical testing. Allele origin: germline. Inheritance: Autosomal dominant inheritance. Observed: 2 variant alleles, 2 heterozygotes.
Comment: This variant causes a deletion of one nucleotide in intron 10 of the DSG2 gene. Splice prediction tools and conservation analysis are inconclusive regarding the impact of this variant on RNA splicing. To our knowledge, functional studies have not been reported for this variant. This variant has not been reported in individuals affected with cardiovascular disorders in the literature. This variant has not been identified in the general population by the Genome Aggregation Database (gnomAD). The available evidence is insufficient to determine the role of this variant in disease conclusively. Therefore, this variant is classified as a Variant of Uncertain Significance.

This study involves interpretation of variants in research participants for the purpose of population health screening. Participant phenotype was not available at the time of variant classification. Additional details can be found in publication PMID: 35346344, PMCID: PMC8962531

Color Diagnostics, LLC DBA Color Health
Classification: Uncertain significance for Cardiomyopathy. Last evaluated: 2023-08-23. Review status: criteria provided, single submitter. Criteria: ACMG Guidelines, 2015. Collection method: clinical testing. Allele origin: germline.
Comment: This variant causes a deletion of one nucleotide in intron 10 of the DSG2 gene. Splice prediction tools and conservation analysis are inconclusive regarding the impact of this variant on RNA splicing. To our knowledge, functional studies have not been reported for this variant. This variant has not been reported in individuals affected with cardiovascular disorders in the literature. This variant has not been identified in the general population by the Genome Aggregation Database (gnomAD). The available evidence is insufficient to determine the role of this variant in disease conclusively. Therefore, this variant is classified as a Variant of Uncertain Significance.

Labcorp Genetics (formerly Invitae), Labcorp
Classification: Uncertain significance for Arrhythmogenic right ventricular dysplasia 10. Last evaluated: 2022-09-02. Review status: criteria provided, single submitter. Criteria: Invitae Variant Classification Sherloc (09022015). Collection method: clinical testing. Allele origin: germline.
Comment: In summary, the available evidence is currently insufficient to determine the role of this variant in disease. Therefore, it has been classified as a Variant of Uncertain Significance. Variants that disrupt the consensus splice site are a relatively common cause of aberrant splicing (PMID: 17576681, 9536098). Algorithms developed to predict the effect of sequence changes on RNA splicing suggest that this variant is not likely to affect RNA splicing. This variant has not been reported in the literature in individuals affected with DSG2-related conditions. This variant is not present in population databases (gnomAD no frequency). This sequence change falls in intron 10 of the DSG2 gene. It does not directly change the encoded amino acid sequence of the DSG2 protein. It affects a nucleotide within the consensus splice site.

Literature cited by the submitters: PubMed 17576681 (cited by Labcorp Genetics (formerly Invitae), Labcorp); PubMed 9536098 (cited by Labcorp Genetics (formerly Invitae), Labcorp).

NM_001943.5(DSG2):c.1423+5del

Gene: DSG2 (desmoglein 2; plus strand). Cytogenetic location: 18q12.1.
Variant type: Deletion.
Coding change: c.1423+5del on transcript NM_001943.5 (MANE Select); 5 bases into the intron after coding-DNA position 1423, one base deleted (G; older notation c.1423+5delG).
Molecular consequence: intron variant.
Genome position (GRCh38, 1-based): chr18:31,535,417, G deleted. VCF-style (leftmost placement, unchanged base first): chr18-31535416-AG-A. GRCh37 (hg19) VCF-style: chr18-29115379-AG-A.
Identifiers: ClinVar variation 2147348 (VCV002147348.5), dbSNP rs1292055551, ClinGen allele CA778417459.
Genomic context (GRCh38, chr18:31,535,416, plus strand): 5'-AATCTAGATATGTTCAAAATGGCACATACACTGTAAAGATTGTGGCCATATCAGAAGGTA[AG>A]TTATTAAATAGATCTTTTTCTTGATTATATGTATTTAGATTTTTATTTTCCAACATCAGA-3'